The following is an entry in ClinVar:

ClinVar aggregate classification (germline): Uncertain significance (1 of 4 stars; one submission).

Conditions:
Developmental and epileptic encephalopathy, 8 (DEE8). Also called: HYPEREKPLEXIA AND EPILEPSY. Identifiers: Orphanet 163985, Orphanet 2076, MedGen C1845102, MONDO:0010375, OMIM 300607.

Submission:

Labcorp Genetics (formerly Invitae), Labcorp
Classification: Uncertain significance for Developmental and epileptic encephalopathy, 8. Last evaluated: 2022-01-27. Review status: criteria provided, single submitter. Criteria: Invitae Variant Classification Sherloc (09022015). Collection method: clinical testing. Allele origin: germline.
Comment: Algorithms developed to predict the effect of missense changes on protein structure and function are either unavailable or do not agree on the potential impact of this missense change (SIFT: "Deleterious"; PolyPhen-2: "Benign"; Align-GVGD: "Class C25"). In summary, the available evidence is currently insufficient to determine the role of this variant in disease. Therefore, it has been classified as a Variant of Uncertain Significance. This variant has not been reported in the literature in individuals affected with ARHGEF9-related conditions. This variant is not present in population databases (gnomAD no frequency). This sequence change replaces glutamine, which is neutral and polar, with glutamic acid, which is acidic and polar, at codon 330 of the ARHGEF9 protein (p.Gln330Glu).

NM_001353921.2(ARHGEF9):c.1009C>G (p.Gln337Glu)

Gene: ARHGEF9 (Cdc42 guanine nucleotide exchange factor 9; minus strand). Cytogenetic location: Xq11.1.
Variant type: single nucleotide variant.
Coding change: c.1009C>G on transcript NM_001353921.2 (MANE Select); coding-DNA position 1009, C replaced by G.
Protein change: p.Gln337Glu; replaces glutamine 337 with glutamic acid.
Molecular consequence: missense variant. On other transcripts: intron variant (5).
Genome position (GRCh38, 1-based): chrX:63,665,954, G>C on the plus strand (C>G on the coding strand, the complement: ARHGEF9 is on the minus strand). VCF-style: chrX-63665954-G-C. GRCh37 (hg19) VCF-style: chrX-62885834-G-C.
Other names: c.829C>G, p.Gln277Glu (NM_001173479.2); c.682C>G, p.Gln228Glu (NM_001173480.2, NM_001369042.1); c.925C>G, p.Gln309Glu (NM_001330495.2, NM_001369033.1, NM_001369034.1 and 6 more transcripts); c.1027C>G, p.Gln343Glu (NM_001353923.1); c.808C>G, p.Gln270Glu (NM_001353924.2, NM_001353926.2, NM_001369039.1 and 1 more transcripts); c.988C>G, p.Gln330Glu (NM_001369030.1, NM_001369031.1, NM_001369032.1 and 1 more transcripts); c.945+8084C>G (NM_001353922.2); c.861+8084C>G (NM_001369041.1, NM_001353927.2); and 2 more; short protein forms Q337E, Q309E, Q343E, Q228E, Q270E, Q277E, Q330E.
Identifiers: ClinVar variation 1942694 (VCV001942694.5), dbSNP rs2519681720, ClinGen allele CA413405632.